The following is an entry in ClinVar:

ClinVar aggregate classification (germline): Uncertain significance (1 of 4 stars; one submission).

Conditions:
Nephronophthisis. Also called: Juvenile Nephronophthisis. Identifiers: Orphanet 655, MedGen C0687120, MONDO:0019005, HP:0000090.

Submission:

Labcorp Genetics (formerly Invitae), Labcorp
Classification: Uncertain significance for Nephronophthisis. Last evaluated: 2022-07-19. Review status: criteria provided, single submitter. Criteria: Invitae Variant Classification Sherloc (09022015). Collection method: clinical testing. Allele origin: germline.
Comment: In summary, the available evidence is currently insufficient to determine the role of this variant in disease. Therefore, it has been classified as a Variant of Uncertain Significance. Algorithms developed to predict the effect of missense changes on protein structure and function are either unavailable or do not agree on the potential impact of this missense change (SIFT: "Deleterious"; PolyPhen-2: "Probably Damaging"; Align-GVGD: "Class C0"). ClinVar contains an entry for this variant (Variation ID: 1388101). This variant has not been reported in the literature in individuals affected with NPHP3-related conditions. This variant is not present in population databases (gnomAD no frequency). This sequence change replaces alanine, which is neutral and non-polar, with threonine, which is neutral and polar, at codon 1226 of the NPHP3 protein (p.Ala1226Thr).

NM_153240.5(NPHP3):c.3676G>A (p.Ala1226Thr)

Genes: NPHP3 (nephrocystin 3; minus strand), NPHP3-ACAD11 (NPHP3-ACAD11 readthrough (NMD candidate); minus strand). Cytogenetic location: 3q22.1.
Variant type: single nucleotide variant.
Coding change: c.3676G>A on transcript NM_153240.5 (MANE Select); coding-DNA position 3676, G replaced by A.
Protein change: p.Ala1226Thr; replaces alanine 1226 with threonine.
Molecular consequence: missense variant. On other transcripts: non-coding transcript variant (1).
Genome position (GRCh38, 1-based): chr3:132,683,419, C>T on the plus strand (G>A on the coding strand, the complement: NPHP3 is on the minus strand). VCF-style: chr3-132683419-C-T. GRCh37 (hg19) VCF-style: chr3-132402263-C-T.
Other names: short protein forms A1226T.
Identifiers: ClinVar variation 1388101 (VCV001388101.6), dbSNP rs2107962025, ClinGen allele CA354578480.
Genomic context (GRCh38, chr3:132,683,419, plus strand): 5'-AAATCATTCACTGATACAACGTTAAAATATGGGAACTTACCATTTGGCTATAAAGAACAG[C>T]TAAGTTCACCAAGGCAGTAGCTACACTAGGGTGCTTTGGGCCAAAAGATTTCTGTCGAAT-3'
Protein context (NP_694972.3, residues 1216-1236): PSVATALVNL[Ala1226Thr]VLYSQMKKHV